The following is an entry in ClinVar:

NM_000231.3(SGCG):c.312T>G (p.Leu104=)

Gene: SGCG (sarcoglycan gamma; plus strand). Cytogenetic location: 13q12.12.
Variant type: single nucleotide variant.
Coding change: c.312T>G on transcript NM_000231.3 (MANE Select); coding-DNA position 312, T replaced by G.
Protein change: p.Leu104=; no amino-acid change (leucine 104 retained).
Molecular consequence: synonymous variant.
Genome position (GRCh38, 1-based): chr13:23,250,644, T>G. VCF-style: chr13-23250644-T-G. GRCh37 (hg19) VCF-style: chr13-23824783-T-G.
Other names: p.Leu104=; c.366T>G, p.Leu122= (NM_001378244.1); c.312T>G, p.Leu104= (NM_001378245.1, NM_001378246.1).
Identifiers: ClinVar variation 92654 (VCV000092654.34), dbSNP rs1800351, ClinGen allele CA145900.

ClinVar aggregate classification (germline): Benign. Review status: criteria provided, multiple submitters, no conflicts (2 of 4 stars). 15 submissions from 15 submitters: Benign (12). 3 of the submissions do not count toward it. Last evaluated 2026-02-04.

Conditions:
Sarcoglycanopathy. Identifiers: Orphanet 207052, MedGen C2936331, MONDO:0016140.
Autosomal recessive limb-girdle muscular dystrophy type 2C (LGMDR5). Also called: MUSCULAR DYSTROPHY, DUCHENNE-LIKE; MUSCULAR DYSTROPHY, LIMB-GIRDLE, AUTOSOMAL RECESSIVE 5. Identifiers: Orphanet 353, MedGen C0410173, MONDO:0009677, OMIM 253700. Disease mechanism: Affects gamma-sarcoglycan and also disrupts the integrity of the entire sarcoglycan complex..

Allele frequency attached by ClinVar (database versions not stated): gnomAD exomes 0.39154 and 0.41901; ExAC 0.43426; gnomAD 0.47100 and 0.47318; ESP Exome Variant Server 0.47117; TOPMed 0.48219; 1000 Genomes Project 0.52476; 1000 Genomes Project 30x 0.52498.
gnomAD v4.1: 640,107 of 1,602,866 alleles (40%); highest among the groups gnomAD compares: East Asian, 70%; 134,611 homozygotes.

Submissions (15):

Labcorp Genetics (formerly Invitae), Labcorp
Classification: Benign for Autosomal recessive limb-girdle muscular dystrophy type 2C. Last evaluated: 2026-02-04. Review status: criteria provided, single submitter. Criteria: Invitae Variant Classification Sherloc (09022015). Collection method: clinical testing. Allele origin: germline.

Blueprint Genetics
Classification: Benign. Last evaluated: 2024-11-27. Review status: criteria provided, single submitter. Criteria: ACMG Guidelines, 2015. Collection method: clinical testing. Allele origin: germline.

Pars Genome Lab
Classification: Benign for Autosomal recessive limb-girdle muscular dystrophy type 2C. Last evaluated: 2021-07-01. Review status: criteria provided, single submitter. Criteria: ACMG Guidelines, 2015. Collection method: clinical testing. Allele origin: germline. Affected: no.

Illumina Laboratory Services, Illumina
Classification: Benign for Sarcoglycanopathy. Last evaluated: 2018-01-12. Review status: criteria provided, single submitter. Criteria: ICSL Variant Classification Criteria 13 December 2019. Collection method: clinical testing. Allele origin: germline.
Comment: This variant was observed in the ICSL laboratory as part of a predisposition screen in an ostensibly healthy population. It had not been previously curated by ICSL or reported in the Human Gene Mutation Database (HGMD: prior to June 1st, 2018), and was therefore a candidate for classification through an automated scoring system. Utilizing variant allele frequency, disease prevalence and penetrance estimates, and inheritance mode, an automated score was calculated to assess if this variant is too frequent to cause the disease. Based on the score and internal cut-off values, a variant classified as benign is not then subjected to further curation. The score for this variant resulted in a classification of benign for this disease.

Mayo Clinic Laboratories, Mayo Clinic
Classification: Benign. Last evaluated: 2017-07-18. Review status: criteria provided, single submitter. Criteria: ACMG Guidelines, 2015. Collection method: clinical testing. Allele origin: germline. Observed: 451 variant alleles.

Athena Diagnostics
Classification: Benign. Last evaluated: 2017-04-14. Review status: criteria provided, single submitter. Criteria: Athena Diagnostics Criteria. Collection method: clinical testing. Allele origin: germline.

GeneDx
Classification: Benign. Last evaluated: 2016-01-05. Review status: criteria provided, single submitter. Criteria: GeneDx Variant Classification (06012015). Collection method: clinical testing. Allele origin: germline. Affected: yes.
Comment: This variant is considered likely benign or benign based on one or more of the following criteria: it is a conservative change, it occurs at a poorly conserved position in the protein, it is predicted to be benign by multiple in silico algorithms, and/or has population frequency not consistent with disease.

Laboratory for Molecular Medicine, Mass General Brigham Personalized Medicine
Classification: Benign. Last evaluated: 2014-11-26. Review status: criteria provided, single submitter. Criteria: LMM Criteria. Collection method: clinical testing. Allele origin: germline. Observed: 10 variant alleles.
Comment: p.Leu104Leu in exon 4 of SGCG: This variant is not expected to have clinical sig nificance because it has been identified in 67% (2958/4406) of African American chromosomes by the NHLBI Exome Sequencing Project (EVS/; dbSNP rs1800351).

Eurofins Ntd Llc (ga)
Classification: Benign. Last evaluated: 2013-09-13. Review status: criteria provided, single submitter. Criteria: EGL Classification Definitions 2015. Collection method: clinical testing. Allele origin: germline. Observed: 65 variant alleles, 36 heterozygotes, 29 homozygotes.

Genetic Services Laboratory, University of Chicago
Classification: Benign for AllHighlyPenetrant. Last evaluated: 2013-08-15. Review status: criteria provided, single submitter. Criteria: ACMG Guidelines, 2007. Collection method: clinical testing. Allele origin: germline. Inheritance: Autosomal recessive inheritance.

Breakthrough Genomics
Classification: Benign. Review status: criteria provided, single submitter. Criteria: ACMG Guidelines, 2015. Collection method: not provided. Allele origin: germline. Inheritance: Autosomal recessive inheritance. Affected: yes.

PreventionGenetics, part of Exact Sciences
Classification: Benign. Review status: criteria provided, single submitter. Criteria: ACMG Guidelines, 2015. Collection method: clinical testing. Allele origin: germline.

Natera, Inc.
Classification: Benign for Limb-girdle muscular dystrophy type 2C. Last evaluated: 2020-09-16. Review status: no assertion criteria provided. Collection method: clinical testing. Allele origin: germline. Not counted in ClinVar's aggregate classification.

Clinical Genetics, Academic Medical Center
Classification: Benign. Review status: no assertion criteria provided. Collection method: clinical testing. Allele origin: germline. Affected: yes. Study: VKGL Data-share Consensus. Not counted in ClinVar's aggregate classification.

Diagnostic Laboratory, Department of Genetics, University Medical Center Groningen
Classification: Benign for Autosomal recessive limb-girdle muscular dystrophy type 2C. Review status: no assertion criteria provided. Collection method: clinical testing. Allele origin: germline. Affected: yes. Study: VKGL Data-share Consensus. Not counted in ClinVar's aggregate classification.